The following is an entry in ClinVar:

ClinVar aggregate classification (germline): Uncertain significance (1 of 4 stars; one submission).

Allele frequency attached by ClinVar (database versions not stated): gnomAD exomes below 0.00001; gnomAD 0.00003; TOPMed 0.00003.
gnomAD v4.1: 6 of 1,252,728 alleles (0.00048%); highest among the groups gnomAD compares: African/African-American, 0.0078%; no homozygotes.

Submission:

Labcorp Genetics (formerly Invitae), Labcorp
Classification: Uncertain significance. Last evaluated: 2022-05-10. Review status: criteria provided, single submitter. Criteria: Invitae Variant Classification Sherloc (09022015). Collection method: clinical testing. Allele origin: germline.
Comment: This sequence change replaces serine, which is neutral and polar, with isoleucine, which is neutral and non-polar, at codon 28 of the DONSON protein (p.Ser28Ile). This variant is present in population databases (no rsID available, gnomAD 0.01%). This variant has not been reported in the literature in individuals affected with DONSON-related conditions. Algorithms developed to predict the effect of missense changes on protein structure and function (SIFT, PolyPhen-2, Align-GVGD) all suggest that this variant is likely to be tolerated. In summary, the available evidence is currently insufficient to determine the role of this variant in disease. Therefore, it has been classified as a Variant of Uncertain Significance.

NM_017613.4(DONSON):c.83G>T (p.Ser28Ile)

Gene: DONSON (DNA replication fork stabilization factor DONSON; minus strand). Cytogenetic location: 21q22.11.
Variant type: single nucleotide variant.
Coding change: c.83G>T on transcript NM_017613.4 (MANE Select); coding-DNA position 83, G replaced by T.
Protein change: p.Ser28Ile; replaces serine 28 with isoleucine.
Molecular consequence: missense variant.
Genome position (GRCh38, 1-based): chr21:33,588,559, C>A on the plus strand (G>T on the coding strand, the complement: DONSON is on the minus strand). VCF-style: chr21-33588559-C-A. GRCh37 (hg19) VCF-style: chr21-34960865-C-A.
Other names: short protein forms S28I.
Identifiers: ClinVar variation 1965930 (VCV001965930.2), dbSNP rs1273970185, ClinGen allele CA410145595.